The following is an entry in ClinVar:

ClinVar aggregate classification (germline): Uncertain significance. Review status: criteria provided, multiple submitters, no conflicts (2 of 4 stars). 2 submissions from 2 submitters: Uncertain significance (2). Last evaluated 2024-10-20.

Allele frequency attached by ClinVar (database versions not stated): gnomAD 0.00001; ExAC 0.00002; TOPMed 0.00003.

Submissions (2):

Ambry Genetics
Classification: Uncertain significance. Last evaluated: 2024-10-20. Review status: criteria provided, single submitter. Criteria: Ambry Variant Classification Scheme 2023. Collection method: clinical testing. Allele origin: germline.

Labcorp Genetics (formerly Invitae), Labcorp
Classification: Uncertain significance. Last evaluated: 2022-08-23. Review status: criteria provided, single submitter. Criteria: Invitae Variant Classification Sherloc (09022015). Collection method: clinical testing. Allele origin: germline.
Comment: This sequence change replaces glutamic acid, which is acidic and polar, with aspartic acid, which is acidic and polar, at codon 207 of the WNT2B protein (p.Glu207Asp). This variant is present in population databases (rs755221403, gnomAD 0.008%). This variant has not been reported in the literature in individuals affected with WNT2B-related conditions. Algorithms developed to predict the effect of missense changes on protein structure and function are either unavailable or do not agree on the potential impact of this missense change (SIFT: "Deleterious"; PolyPhen-2: "Benign"; Align-GVGD: "Class C35"). In summary, the available evidence is currently insufficient to determine the role of this variant in disease. Therefore, it has been classified as a Variant of Uncertain Significance.

NM_024494.3(WNT2B):c.621G>T (p.Glu207Asp)

Gene: WNT2B (Wnt family member 2B; plus strand). Cytogenetic location: 1p13.2.
Variant type: single nucleotide variant.
Coding change: c.621G>T on transcript NM_024494.3 (MANE Select); coding-DNA position 621, G replaced by T.
Protein change: p.Glu207Asp; replaces glutamic acid 207 with aspartic acid.
Molecular consequence: missense variant.
Genome position (GRCh38, 1-based): chr1:112,516,357, G>T. VCF-style: chr1-112516357-G-T. GRCh37 (hg19) VCF-style: chr1-113058979-G-T.
Other names: c.345G>T, p.Glu115Asp (NM_001291880.1); c.564G>T, p.Glu188Asp (NM_004185.4); c.621G>T (NM_024494.2); short protein forms E115D, E207D, E188D.
Identifiers: ClinVar variation 2193275 (VCV002193275.2), dbSNP rs755221403, ClinGen allele CA1008297.